The following is an entry in ClinVar:

NM_031433.4(MFRP):c.666dup (p.Thr223fs)

Genes: C1QTNF5 (C1q and TNF related 5; minus strand), MFRP (membrane frizzled-related protein; minus strand). Cytogenetic location: 11q23.3.
Variant type: Duplication.
Coding change: c.666dup on transcript NM_031433.4 (MANE Select); coding-DNA position 666, one base duplicated (C; older notation c.666dupC).
Protein change: p.Thr223fs; shifts the reading frame from threonine 223.
Molecular consequence: frameshift variant. On other transcripts: 5 prime UTR variant (1).
Genome position (GRCh38, 1-based): chr11:119,344,980, G duplicated on the plus strand (C on the coding strand, the reverse complement: MFRP is on the minus strand); the first of 6 consecutive G bases (chr11:119,344,980-119,344,985); duplicating any one gives the same sequence. VCF-style (leftmost placement, unchanged base first): chr11-119344979-T-TG. GRCh37 (hg19) VCF-style: chr11-119215689-T-TG.
Other names: c.-1971dup (NM_015645.5); short protein forms T223fs.
Identifiers: ClinVar variation 4709901 (VCV004709901.3).

ClinVar aggregate classification (germline): Pathogenic/Likely pathogenic. Review status: criteria provided, multiple submitters, no conflicts (2 of 4 stars). 3 submissions from 3 submitters: Pathogenic (2); Likely pathogenic (1). Last evaluated 2026-03-27.

Conditions:
Isolated microphthalmia 5. Also called: Posterior Microphthalmia with Retinitis Pigmentosa, Foveoschisis, and Optic Disc Drusen. Identifiers: Orphanet 251279, MedGen C1970236, MONDO:0012605, OMIM 611040.
MFRP-related disorder. Also called: MFRP-related disorders; MFRP-related condition.
Retinal disorder. Also called: Retinopathy; Retinopathies; Retinal Diseases; Retinal disorders. Identifiers: MedGen C0035309, MONDO:0005283, HP:0000488.

Submissions (3):

Genetics Laboratory, Great Ormond Street Hospital NHS Foundation Trust, North Thames Genomic Laboratory Hub
Classification: Pathogenic for Retinal disorders. Last evaluated: 2026-03-27. Review status: criteria provided, single submitter. Criteria: ACGS Best Practice Guidelines for Variant Classification in Rare Disease 2024 v1.2. Collection method: clinical testing. Allele origin: germline. Affected: yes.
Comment: PM2_moderate, PVS1_very-strong

Labcorp Genetics (formerly Invitae), Labcorp
Classification: Pathogenic for Isolated microphthalmia 5. Last evaluated: 2025-07-30. Review status: criteria provided, single submitter. Criteria: Invitae Variant Classification Sherloc (09022015). Collection method: clinical testing. Allele origin: germline.
Comment: This sequence change creates a premature translational stop signal (p.Thr223Hisfs*16) in the MFRP gene. It is expected to result in an absent or disrupted protein product. Loss-of-function variants in MFRP are known to be pathogenic (PMID: 12140190, 15976030, 20361016). The frequency data for this variant in the population databases is considered unreliable, as metrics indicate poor data quality at this position in the gnomAD database. This premature translational stop signal has been observed in individual(s) with posterior microphthalmos (PMID: 23127749). For these reasons, this variant has been classified as Pathogenic.

Blueprint Genetics
Classification: Likely pathogenic for MFRP-related disorders. Last evaluated: 2023-12-29. Review status: criteria provided, single submitter. Criteria: ACMG Guidelines, 2015. Collection method: clinical testing. Allele origin: germline. Affected: yes. Observed: 1 variant allele.

Literature cited by the submitters: PubMed 12140190 (cited by Labcorp Genetics (formerly Invitae), Labcorp); PubMed 15976030 (cited by Labcorp Genetics (formerly Invitae), Labcorp); PubMed 20361016 (cited by Labcorp Genetics (formerly Invitae), Labcorp); PubMed 23127749 (cited by Labcorp Genetics (formerly Invitae), Labcorp).